The following is an entry in ClinVar:

NM_002458.3(MUC5B):c.12537G>C (p.Gln4179His)

Genes: MUC5B-AS1 (MUC5B antisense RNA 1; minus strand), MUC5B (mucin 5B, oligomeric mucus/gel-forming; plus strand). Cytogenetic location: 11p15.5.
Variant type: single nucleotide variant.
Coding change: c.12537G>C on transcript NM_002458.3 (MANE Select); coding-DNA position 12537, G replaced by C.
Protein change: p.Gln4179His; replaces glutamine 4179 with histidine.
Molecular consequence: missense variant.
Genome position (GRCh38, 1-based): chr11:1,249,417, G>C. VCF-style: chr11-1249417-G-C. GRCh37 (hg19) VCF-style: chr11-1270647-G-C.
Other names: short protein forms Q4179H.
Identifiers: ClinVar variation 403172 (VCV000403172.11), dbSNP rs185838223, ClinGen allele CA5808020.

ClinVar aggregate classification (germline): Benign. Review status: criteria provided, multiple submitters, no conflicts (2 of 4 stars). 4 submissions from 4 submitters: Benign (4). Last evaluated 2021-06-09.

Conditions:
Interstitial lung disease 2 (ILD2). Also called: FIBROCYSTIC PULMONARY DYSPLASIA; FIBROSING ALVEOLITIS, CRYPTOGENIC; Familial idiopathic pulmonary fibrosis. Identifiers: Orphanet 2032, Orphanet 79126, MedGen C5561926, MONDO:0800497, OMIM 178500, MONDO:0800029.

Allele frequency attached by ClinVar (database versions not stated): 1000 Genomes Project 0.04912; 1000 Genomes Project 30x 0.04934; ESP Exome Variant Server 0.05593; ExAC 0.06223; gnomAD 0.06238 and 0.06351; TOPMed 0.06454; gnomAD exomes 0.06526.
gnomAD v4.1: 91,828 of 1,611,248 alleles (5.7%); highest among the groups gnomAD compares: Admixed American, 14%; 3,306 homozygotes.

Submissions (4):

GeneDx
Classification: Benign. Last evaluated: 2021-06-09. Review status: criteria provided, single submitter. Criteria: GeneDx Variant Classification Process June 2021. Collection method: clinical testing. Allele origin: germline. Affected: yes.

Genome-Nilou Lab
Classification: Benign for Interstitial lung disease 2. Last evaluated: 2021-05-18. Review status: criteria provided, single submitter. Criteria: ACMG Guidelines, 2015. Collection method: clinical testing. Allele origin: germline. Affected: no.

Laboratory for Molecular Medicine, Mass General Brigham Personalized Medicine
Classification: Benign. Last evaluated: 2016-03-28. Review status: criteria provided, single submitter. Criteria: LMM Criteria. Collection method: clinical testing. Allele origin: germline.
Comment: Variant identified in a genome or exome case(s) and assessed due to predicted null impact of the variant or pathogenic assertions in the literature or databases. Disclaimer: This variant has not undergone full assessment. The following are preliminary notes: Frequency

Breakthrough Genomics
Classification: Benign. Review status: criteria provided, single submitter. Criteria: ACMG Guidelines, 2015. Collection method: not provided. Allele origin: germline. Inheritance: Autosomal dominant inheritance. Affected: yes.